The following is an entry in ClinVar:

ClinVar aggregate classification (germline): Uncertain significance. Review status: criteria provided, multiple submitters, no conflicts (2 of 4 stars). 3 submissions from 3 submitters: Uncertain significance (2). 1 of the submissions does not count toward it. Last evaluated 2024-09-13.

Conditions:
Gray platelet syndrome (GPS). Also called: BLEEDING DISORDER, PLATELET-TYPE, 4. Identifiers: Orphanet 721, MedGen C0272302, MONDO:0007686, OMIM 139090.

Allele frequency attached by ClinVar (database versions not stated): gnomAD 0.00003; TOPMed 0.00003; gnomAD exomes 0.00005 and 0.00009; ESP Exome Variant Server 0.00008; ExAC 0.00011.
gnomAD v4.1: 81 of 1,612,180 alleles (0.005%); highest among the groups gnomAD compares: Middle Eastern, 0.033%; no homozygotes.

Submissions (3):

Blueprint Genetics
Classification: Uncertain significance. Last evaluated: 2024-09-13. Review status: criteria provided, single submitter. Criteria: ACMG Guidelines, 2015. Collection method: clinical testing. Allele origin: germline.

Illumina Laboratory Services, Illumina
Classification: Uncertain significance for Gray platelet syndrome. Last evaluated: 2017-04-27. Review status: criteria provided, single submitter. Criteria: ICSL Variant Classification Criteria 13 December 2019. Collection method: clinical testing. Allele origin: germline.

ISTH-SSC Genomics in Thrombosis and Hemostasis, KU Leuven, Center for Molecular and Vascular Biology
Classification: Uncertain significance for Gray platelet syndrome. Review status: no assertion criteria provided. Collection method: research. Allele origin: unknown. Affected: yes. Not counted in ClinVar's aggregate classification.
Comment: Submitted to GoldVariant by Neil Morgan from Birmingham Platelet Group, Birmingham, UK

NM_015175.3(NBEAL2):c.4361C>T (p.Thr1454Met)

Gene: NBEAL2 (neurobeachin like 2; plus strand). Cytogenetic location: 3p21.31.
Variant type: single nucleotide variant.
Coding change: c.4361C>T on transcript NM_015175.3 (MANE Select); coding-DNA position 4361, C replaced by T.
Protein change: p.Thr1454Met; replaces threonine 1454 with methionine.
Molecular consequence: missense variant.
Genome position (GRCh38, 1-based): chr3:47,001,056, C>T. VCF-style: chr3-47001056-C-T. GRCh37 (hg19) VCF-style: chr3-47042546-C-T.
Other names: c.4259C>T, p.Thr1420Met (NM_001365116.2); short protein forms T1454M, T1420M.
Identifiers: ClinVar variation 902602 (VCV000902602.6), dbSNP rs371607035, ClinGen allele CA2361225.